The following is an entry in ClinVar:

ClinVar aggregate classification (germline): Uncertain significance (1 of 4 stars; one submission).

Conditions:
Pyruvate dehydrogenase E2 deficiency (PDHDD). Also called: Dihydrolipoamide Acetyltransferase (E2) Deficiency; LACTIC ACIDEMIA DUE TO DEFECT OF E2 LIPOYL TRANSACETYLASE OF THE PYRUVATE DEHYDROGENASE COMPLEX. Identifiers: Orphanet 765, Orphanet 79244, MedGen C1855565, MONDO:0009502, OMIM 245348.

Submission:

Labcorp Genetics (formerly Invitae), Labcorp
Classification: Uncertain significance for Pyruvate dehydrogenase E2 deficiency. Last evaluated: 2021-05-22. Review status: criteria provided, single submitter. Criteria: Invitae Variant Classification Sherloc (09022015). Collection method: clinical testing. Allele origin: germline.
Comment: In summary, the available evidence is currently insufficient to determine the role of this variant in disease. Therefore, it has been classified as a Variant of Uncertain Significance. This sequence change replaces lysine with arginine at codon 296 of the DLAT protein (p.Lys296Arg). The lysine residue is moderately conserved and there is a small physicochemical difference between lysine and arginine. This variant is not present in population databases (ExAC no frequency). This variant has not been reported in the literature in individuals with DLAT-related conditions. Advanced modeling of protein sequence and biophysical properties (such as structural, functional, and spatial information, amino acid conservation, physicochemical variation, residue mobility, and thermodynamic stability) performed at Invitae indicates that this missense variant is not expected to disrupt DLAT protein function.

NM_001931.5(DLAT):c.887A>G (p.Lys296Arg)

Gene: DLAT (dihydrolipoamide S-acetyltransferase; plus strand). Cytogenetic location: 11q23.1.
Variant type: single nucleotide variant.
Coding change: c.887A>G on transcript NM_001931.5 (MANE Select); coding-DNA position 887, A replaced by G.
Protein change: p.Lys296Arg; replaces lysine 296 with arginine.
Molecular consequence: missense variant. On other transcripts: intron variant (2).
Genome position (GRCh38, 1-based): chr11:112,037,372, A>G. VCF-style: chr11-112037372-A-G. GRCh37 (hg19) VCF-style: chr11-111908096-A-G.
Other names: c.887A>G, p.Lys296Arg (NM_001372031.1, NM_001372032.1, NM_001372033.1 and 1 more transcripts); c.854A>G, p.Lys285Arg (NM_001372034.1); c.761A>G, p.Lys254Arg (NM_001372036.1); c.719A>G, p.Lys240Arg (NM_001372037.1); c.608A>G, p.Lys203Arg (NM_001372038.1); c.506A>G, p.Lys169Arg (NM_001372040.1); c.425A>G, p.Lys142Arg (NM_001372042.1); c.661-1872A>G (NM_001372039.1, NM_001372041.1); short protein forms K142R, K169R, K254R, K285R, K296R, K203R, K240R.
Identifiers: ClinVar variation 1493349 (VCV001493349.8), dbSNP rs2137753489, ClinGen allele CA382608083.